The following is an entry in ClinVar:

ClinVar aggregate classification (germline): Uncertain significance (1 of 4 stars; one submission).

Allele frequency attached by ClinVar (database versions not stated): ExAC 0.00001; gnomAD exomes 0.00004.
gnomAD v4.1: 55 of 1,614,214 alleles (0.0034%); highest among the groups gnomAD compares: Non-Finnish European, 0.0044%; no homozygotes.

Submission:

Labcorp Genetics (formerly Invitae), Labcorp
Classification: Uncertain significance. Last evaluated: 2022-08-20. Review status: criteria provided, single submitter. Criteria: Invitae Variant Classification Sherloc (09022015). Collection method: clinical testing. Allele origin: germline.
Comment: This sequence change replaces asparagine, which is neutral and polar, with serine, which is neutral and polar, at codon 357 of the MCM3AP protein (p.Asn357Ser). This variant is present in population databases (rs746750274, gnomAD 0.003%). This variant has not been reported in the literature in individuals affected with MCM3AP-related conditions. Algorithms developed to predict the effect of missense changes on protein structure and function output the following: SIFT: "Tolerated"; PolyPhen-2: "Benign"; Align-GVGD: "Class C0". The serine amino acid residue is found in multiple mammalian species, which suggests that this missense change does not adversely affect protein function. In summary, the available evidence is currently insufficient to determine the role of this variant in disease. Therefore, it has been classified as a Variant of Uncertain Significance.

NM_003906.5(MCM3AP):c.1070A>G (p.Asn357Ser)

Gene: MCM3AP (minichromosome maintenance complex component 3 associated protein; minus strand). Cytogenetic location: 21q22.3.
Variant type: single nucleotide variant.
Coding change: c.1070A>G on transcript NM_003906.5 (MANE Select); coding-DNA position 1070, A replaced by G.
Protein change: p.Asn357Ser; replaces asparagine 357 with serine.
Molecular consequence: missense variant.
Genome position (GRCh38, 1-based): chr21:46,284,217, T>C on the plus strand (A>G on the coding strand, the complement: MCM3AP is on the minus strand). VCF-style: chr21-46284217-T-C. GRCh37 (hg19) VCF-style: chr21-47704131-T-C.
Other names: short protein forms N357S.
Identifiers: ClinVar variation 1911332 (VCV001911332.2), dbSNP rs746750274, ClinGen allele CA10077199.